The following is an entry in ClinVar:

NM_000452.3(SLC10A2):c.-2C>A

Gene: SLC10A2 (solute carrier family 10 member 2; minus strand). Cytogenetic location: 13q33.1.
Variant type: single nucleotide variant.
Coding change: c.-2C>A on transcript NM_000452.3 (MANE Select); 2 bases upstream of the start codon, C replaced by A.
Molecular consequence: 5 prime UTR variant.
Genome position (GRCh38, 1-based): chr13:103,066,251, G>T on the plus strand (C>A on the coding strand, the complement: SLC10A2 is on the minus strand). VCF-style: chr13-103066251-G-T. GRCh37 (hg19) VCF-style: chr13-103718601-G-T.
Identifiers: ClinVar variation 4986953 (VCV004986953.1).

ClinVar aggregate classification (germline): Likely benign (1 of 4 stars; one submission).

Conditions:
SLC10A2-related disorder. Also called: SLC10A2-related condition.

gnomAD v4.1: 3 of 1,596,108 alleles (0.00019%); highest among the groups gnomAD compares: Admixed American, 0.0051%; no homozygotes.

Submission:

PreventionGenetics, part of Exact Sciences
Classification: Likely benign for SLC10A2-related condition. Last evaluated: 2025-11-01. Review status: criteria provided, single submitter. Criteria: ACMG Guidelines, 2015. Collection method: clinical testing. Allele origin: germline.
Comment: This variant is classified as likely benign based on ACMG/AMP sequence variant interpretation guidelines (Richards et al. 2015 PMID: 25741868, with internal and published modifications).